The following is an entry in ClinVar:

Conditions:
Long QT syndrome 5 (LQT5). Identifiers: Orphanet 101016, Orphanet 768, MedGen C1867904, MONDO:0013372, OMIM 613695.

Submission:

Roden Lab, Vanderbilt University Medical Center
No classification provided (evidence only). Condition: Long QT syndrome 5. Review status: no classification provided. Collection method: in vitro. Allele origin: not applicable. Functional consequence: Effect on ion channel function.
ClinVar note: "not provided" was previously submitted as the classification for the variant. However, the classification appeared to be based only on an observation of functional data so it was converted to no classification on 2025-07-30.

NM_000219.6(KCNE1):c.337C>A (p.Leu113Met)

Gene: KCNE1 (potassium voltage-gated channel subfamily E regulatory subunit 1; minus strand). Cytogenetic location: 21q22.12.
Variant type: single nucleotide variant.
Coding change: c.337C>A on transcript NM_000219.6 (MANE Select); coding-DNA position 337, C replaced by A.
Protein change: p.Leu113Met; replaces leucine 113 with methionine.
Molecular consequence: missense variant.
Genome position (GRCh38, 1-based): chr21:34,449,298, G>T on the plus strand (C>A on the coding strand, the complement: KCNE1 is on the minus strand). VCF-style: chr21-34449298-G-T. GRCh37 (hg19) VCF-style: chr21-35821596-G-T.
Other names: c.337C>A, p.Leu113Met (NM_001127668.4, NM_001127669.4, NM_001127670.4 and 4 more transcripts); short protein forms L113M.
Identifiers: ClinVar variation 3374677 (VCV003374677.2).